The following is an entry in ClinVar:

NM_018136.5(ASPM):c.3474T>G (p.Phe1158Leu)

Gene: ASPM (assembly factor for spindle microtubules; minus strand). Cytogenetic location: 1q31.3.
Variant type: single nucleotide variant.
Coding change: c.3474T>G on transcript NM_018136.5 (MANE Select); coding-DNA position 3474, T replaced by G.
Protein change: p.Phe1158Leu; replaces phenylalanine 1158 with leucine.
Molecular consequence: missense variant.
Genome position (GRCh38, 1-based): chr1:197,122,512, A>C on the plus strand (T>G on the coding strand, the complement: ASPM is on the minus strand). VCF-style: chr1-197122512-A-C. GRCh37 (hg19) VCF-style: chr1-197091642-A-C.
Other names: c.3474T>G, p.Phe1158Leu (NM_001206846.2); short protein forms F1158L.
Identifiers: ClinVar variation 3671180 (VCV003671180.2).
Genomic context (GRCh38, chr1:197,122,512, plus strand): 5'-TACCACTGAACCAGTTTGCGTACATTCCACAGTTTGAGTAGTACGCTGACATATAGCGTC[A>C]AATGGCACATAGCAAGGATGGTAATGGTGGATCAGGTAACATAACACACGGCCGTCTGAG-3'
Protein context (NP_060606.3, residues 1148-1168): IHHYHPCYVP[Phe1158Leu]DAICQRTTQT

ClinVar aggregate classification (germline): Uncertain significance (1 of 4 stars; one submission).

Submission:

Labcorp Genetics (formerly Invitae), Labcorp
Classification: Uncertain significance. Last evaluated: 2024-11-11. Review status: criteria provided, single submitter. Criteria: Invitae Variant Classification Sherloc (09022015). Collection method: clinical testing. Allele origin: germline.
Comment: This sequence change replaces phenylalanine, which is neutral and non-polar, with leucine, which is neutral and non-polar, at codon 1158 of the ASPM protein (p.Phe1158Leu). This variant is not present in population databases (gnomAD no frequency). This variant has not been reported in the literature in individuals affected with ASPM-related conditions. Invitae Evidence Modeling of protein sequence and biophysical properties (such as structural, functional, and spatial information, amino acid conservation, physicochemical variation, residue mobility, and thermodynamic stability) indicates that this missense variant is not expected to disrupt ASPM protein function with a negative predictive value of 80%. In summary, the available evidence is currently insufficient to determine the role of this variant in disease. Therefore, it has been classified as a Variant of Uncertain Significance.